The following is an entry in ClinVar:

NM_001754.5(RUNX1):c.563C>G (p.Thr188Ser)

Genes: RUNX1 (RUNX family transcription factor 1; minus strand), RUNX1-AS1 (RUNX1 antisense RNA 1; plus strand). Cytogenetic location: 21q22.12.
Variant type: single nucleotide variant.
Coding change: c.563C>G on transcript NM_001754.5 (MANE Select); coding-DNA position 563, C replaced by G.
Protein change: p.Thr188Ser; replaces threonine 188 with serine.
Molecular consequence: missense variant.
Genome position (GRCh38, 1-based): chr21:34,859,524, G>C on the plus strand (C>G on the coding strand, the complement: RUNX1 is on the minus strand). VCF-style: chr21-34859524-G-C. GRCh37 (hg19) VCF-style: chr21-36231821-G-C.
Other names: NM_001754.4(RUNX1):c.563C>G; c.482C>G, p.Thr161Ser (NM_001001890.3, NM_001122607.2); short protein forms T188S, T161S.
Identifiers: ClinVar variation 532659 (VCV000532659.10), dbSNP rs1343295642, ClinGen allele CA410208042.

ClinVar aggregate classification (germline): Uncertain significance. Review status: reviewed by expert panel (3 of 4 stars). 2 submissions from 2 submitters: Uncertain significance (1). 1 of the submissions does not count toward it. Last evaluated 2019-07-26.

Conditions:
Hereditary thrombocytopenia and hematological cancer predisposition syndrome associated with RUNX1. Also called: Familial Platelet Disorder with Propensity to Acute Myelogenous Leukemia; Familial thrombocytopenia with propensity to acute myelogenous leukemia; RUNX1 Familial Platelet Disorder with Associated Myeloid Malignancies; PLATELET DISORDER, ASPIRIN-LIKE. Identifiers: Orphanet 71290, MedGen C1832388, MeSH C563324, MONDO:0100083, OMIM 601399.

Submissions (2):

ClinGen Myeloid Malignancy Variant Curation Expert Panel
Classification: Uncertain significance for Familial platelet disorder with associated myeloid malignancy. Last evaluated: 2019-07-26. Review status: reviewed by expert panel. Criteria: ClinGen MyeloMalig ACMG Specifications v1. Collection method: curation. Allele origin: germline. Inheritance: Autosomal dominant inheritance.
Comment: The NM_001754.4:c.563C>G (p.Thr188Ser) variant affects one of the residues (AA 105-204) within the RHD (PM1_Supporting). This variant is completely absent from all population databases with at least 20x coverage for RUNX1 (PM2). This missense variant has a REVEL score >0.75 (0.922) (PP3). In summary, the clinical significance of this variant is uncertain (VUS). ACMG/AMP criteria applied, as specified by the ClinGen Myeloid Malignancy Variant Curation Expert Panel for RUNX1: PM2, PP3, PM1_supporting.

Labcorp Genetics (formerly Invitae), Labcorp
Classification: Uncertain significance for Hereditary thrombocytopenia and hematological cancer predisposition syndrome associated with RUNX1. Last evaluated: 2017-09-26. Review status: criteria provided, single submitter. Criteria: Invitae Variant Classification Sherloc (09022015). Collection method: clinical testing. Allele origin: germline. Not counted in ClinVar's aggregate classification.
Comment: This sequence change replaces threonine with serine at codon 188 of the RUNX1 protein (p.Thr188Ser). The threonine residue is highly conserved and there is a small physicochemical difference between threonine and serine. This variant is not present in population databases (ExAC no frequency). This variant has not been reported in the literature in individuals with RUNX1-related disease. Algorithms developed to predict the effect of missense changes on protein structure and function do not agree on the potential impact of this missense change (SIFT: "Deleterious"; PolyPhen-2: "Benign"; Align-GVGD: "Class C0"). In summary, the available evidence is currently insufficient to determine the role of this variant in disease. Therefore, it has been classified as a Variant of Uncertain Significance.